The following is an entry in ClinVar:

ClinVar aggregate classification (germline): Likely benign (1 of 4 stars; one submission).

gnomAD v4.1: 3,671 of 1,592,070 alleles (0.23%); highest among the groups gnomAD compares: Non-Finnish European, 0.27%; 136 homozygotes.

Submission:

CeGaT Center for Human Genetics Tuebingen
Classification: Likely benign. Last evaluated: 2025-03-01. Review status: criteria provided, single submitter. Criteria: CeGaT Center For Human Genetics Tuebingen Variant Classification Criteria Version 2. Collection method: clinical testing. Allele origin: germline. Affected: yes. Observed: 1 variant allele.
Comment: GOLGA8M: BP4, BS2

NM_001282468.3(GOLGA8M):c.406C>A (p.Gln136Lys)

Gene: GOLGA8M (golgin A8 family member M; minus strand). Cytogenetic location: 15q13.1.
Variant type: single nucleotide variant.
Coding change: c.406C>A on transcript NM_001282468.3 (MANE Select); coding-DNA position 406, C replaced by A.
Protein change: p.Gln136Lys; replaces glutamine 136 with lysine.
Molecular consequence: missense variant.
Genome position (GRCh38, 1-based): chr15:28,708,028, G>T on the plus strand (C>A on the coding strand, the complement: GOLGA8M is on the minus strand). VCF-style: chr15-28708028-G-T. GRCh37 (hg19) VCF-style: chr15-28953174-G-T.
Other names: short protein forms Q136K.
Identifiers: ClinVar variation 3777846 (VCV003777846.7).